The following is an entry in ClinVar:

ClinVar aggregate classification (germline): Uncertain significance (1 of 4 stars; one submission).

Submission:

Dasa
Classification: Uncertain significance. Last evaluated: 2025-04-01. Review status: criteria provided, single submitter. Criteria: DASA Assertion Criteria. Collection method: clinical testing. Allele origin: germline.
Comment: NM_001001563.5(TIMM50):c.937C>T (p.Gln313*) is a nonsense variant in TIMM50 predicted to introduce a premature termination codon. This variant is absent from population databases. The currently available literature and clinical evidence are not sufficient to establish a definitive association between this variant and the reported condition. Therefore, this variant is classified as a variant of uncertain significance.

NM_001001563.5(TIMM50):c.937C>T (p.Gln313Ter)

Gene: TIMM50 (translocase of inner mitochondrial membrane 50; plus strand). Cytogenetic location: 19q13.2.
Variant type: single nucleotide variant.
Coding change: c.937C>T on transcript NM_001001563.5 (MANE Select); coding-DNA position 937, C replaced by T.
Protein change: p.Gln313Ter; replaces glutamine 313 with a stop codon.
Molecular consequence: nonsense.
Genome position (GRCh38, 1-based): chr19:39,488,622, C>T. VCF-style: chr19-39488622-C-T. GRCh37 (hg19) VCF-style: chr19-39979262-C-T.
Other names: c.598C>T, p.Gln200Ter (NM_001329559.2); short protein forms Q200*, Q313*.
Identifiers: ClinVar variation 4883675 (VCV004883675.2).